The following is an entry in ClinVar:

ClinVar aggregate classification (germline): Uncertain significance (1 of 4 stars; one submission).

Submission:

Women's Health and Genetics/Laboratory Corporation of America, LabCorp
Classification: Uncertain significance. Last evaluated: 2024-03-15. Review status: criteria provided, single submitter. Criteria: LabCorp Variant Classification Summary - May 2015. Collection method: clinical testing. Allele origin: germline.
Comment: Variant summary: KCNC3 c.*1331_*1337delGGTGGGG is located in the untranslated mRNA region downstream of the termination codon. The variant allele was found at a frequency of 2.4e-06 in 421510 control chromosomes (gnomAD v4.0). The frequency data for this variant in gnomAD is considered unreliable, as metrics indicate poor data quality at this position. To our knowledge, no occurrence of c.*1331_*1337delGGTGGGG in individuals affected with Spinocerebellar Ataxia Type 13 and no experimental evidence demonstrating its impact on protein function have been reported. No submitters have cited clinical-significance assessments for this variant to ClinVar. Based on the evidence outlined above, the variant was classified as uncertain significance.

NM_004977.3(KCNC3):c.*1324GGTGGGG[1]

Gene: KCNC3 (potassium voltage-gated channel subfamily C member 3; minus strand). Cytogenetic location: 19q13.33.
Variant type: Microsatellite.
Coding change: c.*1324GGTGGGG[1] on transcript NM_004977.3 (MANE Select); one copy of the 7-base unit GGTGGGG starting at c.*1324; the reference has two copies in a row; one copy, 7 bases deleted.
Molecular consequence: 3 prime UTR variant. On other transcripts: non-coding transcript variant (1).
Genome position (GRCh38, 1-based): chr19:50,314,778-50,314,784, CCCCACC deleted on the plus strand (GGTGGGG on the coding strand, the reverse complement: KCNC3 is on the minus strand); deleting any 7 consecutive bases within chr19:50,314,778-50,314,794 gives the same sequence; the position shown is the placement nearest the transcript's 3' end. VCF-style (leftmost placement, unchanged base first): chr19-50314777-TCCCCACC-T. GRCh37 (hg19) VCF-style: chr19-50818034-TCCCCACC-T.
Other names: c.*1324GGTGGGG[1] (NM_001372305.1); c.*1331_*1337delGGTGGGG (NM_004977.3).
Identifiers: ClinVar variation 3233930 (VCV003233930.2), dbSNP rs1022890298, ClinGen allele CA309600283.